The following is an entry in ClinVar:

ClinVar aggregate classification (germline): Likely pathogenic (1 of 4 stars; one submission).

Conditions:
MMAB-related disorder. Also called: MMAB-related condition.

Submission:

PreventionGenetics, part of Exact Sciences
Classification: Likely pathogenic for MMAB-related condition. Last evaluated: 2025-05-30. Review status: criteria provided, single submitter. Criteria: ACMG Guidelines, 2015. Collection method: clinical testing. Allele origin: germline.
Comment: The MMAB c.539C>G variant is predicted to result in the amino acid substitution p.Ser180Trp. This variant has been reported in an individual with cblB type methylmalonic aciduria (Lerner-Ellis et al. 2006. PubMed ID: 16410054). This variant has not been reported in a large population database (gnomAD), indicating it is rare. This variant is interpreted as likely pathogenic.

NM_052845.4(MMAB):c.539C>G (p.Ser180Trp)

Gene: MMAB (metabolism of cobalamin associated B; minus strand). Cytogenetic location: 12q24.11.
Variant type: single nucleotide variant.
Coding change: c.539C>G on transcript NM_052845.4 (MANE Select); coding-DNA position 539, C replaced by G.
Protein change: p.Ser180Trp; replaces serine 180 with tryptophan.
Molecular consequence: missense variant. On other transcripts: non-coding transcript variant (1).
Genome position (GRCh38, 1-based): chr12:109,561,085, G>C on the plus strand (C>G on the coding strand, the complement: MMAB is on the minus strand). VCF-style: chr12-109561085-G-C. GRCh37 (hg19) VCF-style: chr12-109998890-G-C.
Other names: short protein forms S180W.
Identifiers: ClinVar variation 4984282 (VCV004984282.1).
Genomic context (GRCh38, chr12:109,561,085, plus strand): 5'-CTCCAGCCCTCTTACCGTCTCTCGGCCCGGCGGCACACGGCCCGGCAGAAATGCAGCGCC[G>C]AGCTGATCTTGCCTCCCGACTGAAAGGAGAAAGGGACATTGCCTGAGCAGGGTGGGAAAG-3'
Protein context (NP_443077.1, residues 170-190): FILPSGGKIS[Ser180Trp]ALHFCRAVCR